The following is an entry in ClinVar:

ClinVar aggregate classification (germline): Uncertain significance. Review status: criteria provided, multiple submitters, no conflicts (2 of 4 stars). 3 submissions from 3 submitters: Uncertain significance (2). 1 of the submissions does not count toward it. Last evaluated 2024-02-29.

Conditions:
Renal tubular dysgenesis of genetic origin. Also called: PRIMITIVE RENAL TUBULE SYNDROME. Identifiers: Orphanet 97369, MedGen C5681536, MONDO:0009970, OMIM 267430.
Inborn genetic diseases. Identifiers: MedGen C0950123, MeSH D030342.
AGT-related disorder. Also called: AGT-related condition.

Allele frequency attached by ClinVar (database versions not stated): gnomAD 0.00003; gnomAD exomes 0.00003; TOPMed 0.00003; ExAC 0.00003.
gnomAD v4.1: 53 of 1,614,164 alleles (0.0033%); highest among the groups gnomAD compares: Non-Finnish European, 0.0042%; 1 homozygote.

Submissions (3):

Fulgent Genetics
Classification: Uncertain significance for Renal tubular dysgenesis of genetic origin. Last evaluated: 2024-02-29. Review status: criteria provided, single submitter. Criteria: ACMG Guidelines, 2015. Collection method: clinical testing. Allele origin: germline.

Ambry Genetics
Classification: Uncertain significance for Inborn genetic diseases. Last evaluated: 2023-03-17. Review status: criteria provided, single submitter. Criteria: Ambry Variant Classification Scheme 2023. Collection method: clinical testing. Allele origin: germline.

PreventionGenetics, part of Exact Sciences
Classification: Uncertain significance for AGT-related condition. Last evaluated: 2024-08-13. Review status: no assertion criteria provided. Collection method: clinical testing. Allele origin: germline. Not counted in ClinVar's aggregate classification.
Comment: The AGT c.261G>T variant is predicted to result in the amino acid substitution p.Gln87His. To our knowledge, this variant has not been reported in the literature. This variant is reported in 0.012% of alleles in individuals of European (non-Finnish) descent in gnomAD. At this time, the clinical significance of this variant is uncertain due to the absence of conclusive functional and genetic evidence.

NM_001384479.1(AGT):c.234G>T (p.Gln78His)

Gene: AGT (angiotensinogen; minus strand). Cytogenetic location: 1q42.2.
Variant type: single nucleotide variant.
Coding change: c.234G>T on transcript NM_001384479.1 (MANE Select); coding-DNA position 234, G replaced by T.
Protein change: p.Gln78His; replaces glutamine 78 with histidine.
Molecular consequence: missense variant.
Genome position (GRCh38, 1-based): chr1:230,710,590, C>A on the plus strand (G>T on the coding strand, the complement: AGT is on the minus strand). VCF-style: chr1-230710590-C-A. GRCh37 (hg19) VCF-style: chr1-230846336-C-A.
Other names: NM_000029.3:c.261G>T; c.234G>T, p.Gln78His (NM_001382817.3); short protein forms Q78H.
Identifiers: ClinVar variation 2510586 (VCV002510586.4), dbSNP rs770446406, ClinGen allele CA1448345.